The following is an entry in ClinVar:

ClinVar aggregate classification (germline): Uncertain significance (1 of 4 stars; one submission).

Submission:

GeneDx
Classification: Uncertain significance. Last evaluated: 2024-03-05. Review status: criteria provided, single submitter. Criteria: GeneDx Variant Classification Process June 2021. Collection method: clinical testing. Allele origin: germline. Affected: yes.
Comment: Not observed at significant frequency in large population cohorts (gnomAD); In silico analysis supports that this missense variant has a deleterious effect on protein structure/function; Has not been previously published as pathogenic or benign to our knowledge

NM_006218.4(PIK3CA):c.2860T>A (p.Phe954Ile)

Gene: PIK3CA (phosphatidylinositol-4,5-bisphosphate 3-kinase catalytic subunit alpha; plus strand). Cytogenetic location: 3q26.32.
Variant type: single nucleotide variant.
Coding change: c.2860T>A on transcript NM_006218.4 (MANE Select); coding-DNA position 2860, T replaced by A.
Protein change: p.Phe954Ile; replaces phenylalanine 954 with isoleucine.
Molecular consequence: missense variant.
Genome position (GRCh38, 1-based): chr3:179,230,300, T>A. VCF-style: chr3-179230300-T-A. GRCh37 (hg19) VCF-style: chr3-178948088-T-A.
Other names: short protein forms F954I.
Identifiers: ClinVar variation 3373734 (VCV003373734.1).